The following is an entry in ClinVar:

NM_001365536.1(SCN9A):c.3169G>A (p.Asp1057Asn)

Genes: SCN9A (sodium voltage-gated channel alpha subunit 9; minus strand), SCN1A-AS1 (SCN1A and SCN9A antisense RNA 1; plus strand). Cytogenetic location: 2q24.3.
Variant type: single nucleotide variant.
Coding change: c.3169G>A on transcript NM_001365536.1 (MANE Select); coding-DNA position 3169, G replaced by A.
Protein change: p.Asp1057Asn; replaces aspartic acid 1057 with asparagine.
Molecular consequence: missense variant.
Genome position (GRCh38, 1-based): chr2:166,272,581, C>T on the plus strand (G>A on the coding strand, the complement: SCN9A is on the minus strand). VCF-style: chr2-166272581-C-T. GRCh37 (hg19) VCF-style: chr2-167129091-C-T.
Other names: c.3136G>A, p.Asp1046Asn (NM_002977.4); short protein forms D1046N, D1057N.
Identifiers: ClinVar variation 1440069 (VCV001440069.9), dbSNP rs370892430, ClinGen allele CA59791366.

ClinVar aggregate classification (germline): Uncertain significance. Review status: criteria provided, multiple submitters, no conflicts (2 of 4 stars). 2 submissions from 2 submitters: Uncertain significance (2). Last evaluated 2024-10-21.

Conditions:
Neuropathy, hereditary sensory and autonomic, type 2A (HSAN2A). Also called: WNK1-Related HSAN2 (HSAN2A); ACROOSTEOLYSIS, NEUROGENIC; ACROOSTEOLYSIS, GIACCAI TYPE; MORVAN DISEASE; NEUROPATHY, CONGENITAL SENSORY; NEUROPATHY, HEREDITARY SENSORY RADICULAR, AUTOSOMAL RECESSIVE. Identifiers: Orphanet 970, MedGen C2752089, MONDO:0024309, OMIM 201300.
Generalized epilepsy with febrile seizures plus, type 7 (GEFSP7). Also called: GEFS+, TYPE 7. Identifiers: Orphanet 36387, MedGen C2751778, MONDO:0013470, OMIM 613863.

Allele frequency attached by ClinVar (database versions not stated): gnomAD exomes below 0.00001; ESP Exome Variant Server 0.00008.
gnomAD v4.1: 6 of 1,613,462 alleles (0.00037%); highest among the groups gnomAD compares: Non-Finnish European, 0.00051%; no homozygotes.

Submissions (2):

Labcorp Genetics (formerly Invitae), Labcorp
Classification: Uncertain significance for Neuropathy, hereditary sensory and autonomic, type 2A; Generalized epilepsy with febrile seizures plus, type 7. Last evaluated: 2024-10-21. Review status: criteria provided, single submitter. Criteria: Invitae Variant Classification Sherloc (09022015). Collection method: clinical testing. Allele origin: germline.
Comment: This sequence change replaces aspartic acid, which is acidic and polar, with asparagine, which is neutral and polar, at codon 1046 of the SCN9A protein (p.Asp1046Asn). This variant is present in population databases (rs370892430, gnomAD 0.0009%). This variant has not been reported in the literature in individuals affected with SCN9A-related conditions. ClinVar contains an entry for this variant (Variation ID: 1440069). Invitae Evidence Modeling of protein sequence and biophysical properties (such as structural, functional, and spatial information, amino acid conservation, physicochemical variation, residue mobility, and thermodynamic stability) indicates that this missense variant is not expected to disrupt SCN9A protein function with a negative predictive value of 95%. In summary, the available evidence is currently insufficient to determine the role of this variant in disease. Therefore, it has been classified as a Variant of Uncertain Significance.

GeneDx
Classification: Uncertain significance. Last evaluated: 2022-05-10. Review status: criteria provided, single submitter. Criteria: GeneDx Variant Classification Process June 2021. Collection method: clinical testing. Allele origin: germline. Affected: yes.
Comment: Not observed at significant frequency in large population cohorts (gnomAD); In silico analysis supports that this missense variant does not alter protein structure/function; Has not been previously published as pathogenic or benign to our knowledge; This variant is associated with the following publications: (PMID: 29423241)